The following is an entry in ClinVar:

NM_004655.4(AXIN2):c.1984C>G (p.Leu662Val)

Gene: AXIN2 (axin 2; minus strand). Cytogenetic location: 17q24.1.
Variant type: single nucleotide variant.
Coding change: c.1984C>G on transcript NM_004655.4 (MANE Select); coding-DNA position 1984, C replaced by G.
Protein change: p.Leu662Val; replaces leucine 662 with valine.
Molecular consequence: missense variant.
Genome position (GRCh38, 1-based): chr17:65,536,477, G>C on the plus strand (C>G on the coding strand, the complement: AXIN2 is on the minus strand). VCF-style: chr17-65536477-G-C. GRCh37 (hg19) VCF-style: chr17-63532595-G-C.
Other names: c.1984C>G (LRG_296t1); c.1789C>G, p.Leu597Val (NM_001363813.1); short protein forms L662V, L597V.
Identifiers: ClinVar variation 464588 (VCV000464588.20), dbSNP rs979932202, ClinGen allele CA293097826.

ClinVar aggregate classification (germline): Uncertain significance. Review status: criteria provided, multiple submitters, no conflicts (2 of 4 stars). 6 submissions from 6 submitters: Uncertain significance (6). Last evaluated 2026-01-13.

Conditions:
Hereditary cancer-predisposing syndrome. Also called: Neoplastic Syndromes, Hereditary; Tumor predisposition; Hereditary Cancer Syndrome; Hereditary neoplastic syndrome. Identifiers: Orphanet 140162, MedGen C0027672, MeSH D009386, MONDO:0015356.
Colorectal cancer. Also called: Malignant Colorectal Neoplasm; Colorectal cancer, somatic. Identifiers: MedGen C0346629, MONDO:0005575, OMIM 114500.
Oligodontia-cancer predisposition syndrome. Also called: TOOTH AGENESIS-COLORECTAL CANCER SYNDROME. Identifiers: Orphanet 300576, MedGen C1837750, MONDO:0012075, OMIM 608615. Disease mechanism: loss of function.

Allele frequency attached by ClinVar (database versions not stated): gnomAD 0.00001; TOPMed 0.00002.

Submissions (6):

Labcorp Genetics (formerly Invitae), Labcorp
Classification: Uncertain significance for Oligodontia-cancer predisposition syndrome. Last evaluated: 2026-01-13. Review status: criteria provided, single submitter. Criteria: Invitae Variant Classification Sherloc (09022015). Collection method: clinical testing. Allele origin: germline.
Comment: This sequence change replaces leucine, which is neutral and non-polar, with valine, which is neutral and non-polar, at codon 662 of the AXIN2 protein (p.Leu662Val). This variant is not present in population databases (gnomAD no frequency). This variant has not been reported in the literature in individuals affected with AXIN2-related conditions. ClinVar contains an entry for this variant (Variation ID: 464588). Invitae Evidence Modeling of protein sequence and biophysical properties (such as structural, functional, and spatial information, amino acid conservation, physicochemical variation, residue mobility, and thermodynamic stability) indicates that this missense variant is not expected to disrupt AXIN2 protein function with a negative predictive value of 80%. In summary, the available evidence is currently insufficient to determine the role of this variant in disease. Therefore, it has been classified as a Variant of Uncertain Significance.

St. Jude Molecular Pathology, St. Jude Children's Research Hospital
Classification: Uncertain significance for Oligodontia-cancer predisposition syndrome. Last evaluated: 2025-06-17. Review status: criteria provided, single submitter. Criteria: St. Jude Assertion Criteria 2020. Collection method: clinical testing. Allele origin: germline.
Comment: The AXIN2 c.1984C>G p.(Leu662Val) missense change is absent in gnomAD v2.1.1. The in silico tool REVEL predicts a benign effect on protein function, but to our knowledge this prediction has not been confirmed by functional studies. To our knowledge, this variant has not been reported in the literature in individuals with oligodontia-cancer predisposition syndrome. In summary, the evidence currently available is insufficient to determine the clinical significance of this variant. It has therefore been classified as of uncertain significance.

Ambry Genetics
Classification: Uncertain significance for Hereditary cancer-predisposing syndrome. Last evaluated: 2024-10-07. Review status: criteria provided, single submitter. Criteria: Ambry Variant Classification Scheme 2023. Collection method: clinical testing. Allele origin: germline.
Comment: The p.L662V variant (also known as c.1984C>G), located in coding exon 7 of the AXIN2 gene, results from a C to G substitution at nucleotide position 1984. The leucine at codon 662 is replaced by valine, an amino acid with highly similar properties. This amino acid position is well conserved in available vertebrate species. In addition, this alteration is predicted to be tolerated by in silico analysis. Based on the available evidence, the clinical significance of this variant remains unclear.

Baylor Genetics
Classification: Uncertain significance for Colorectal cancer. Last evaluated: 2024-03-15. Review status: criteria provided, single submitter. Criteria: ACMG Guidelines, 2015. Collection method: clinical testing. Allele origin: unknown.

GeneDx
Classification: Uncertain significance. Last evaluated: 2023-10-26. Review status: criteria provided, single submitter. Criteria: GeneDx Variant Classification Process June 2021. Collection method: clinical testing. Allele origin: germline. Affected: yes.
Comment: Not observed in large population cohorts (gnomAD); In silico analysis supports that this missense variant does not alter protein structure/function; Has not been previously published as pathogenic or benign to our knowledge

Sema4
Classification: Uncertain significance for Hereditary cancer-predisposing syndrome. Last evaluated: 2022-02-24. Review status: criteria provided, single submitter. Criteria: Sema4 Curation Guidelines. Collection method: curation. Allele origin: germline.
Comment: The AXIN2 c.1984C>G (p.L662V) variant has not been reported in the literature to our knowledge. It was not observed in the large and broad cohorts of the Genome Aggregation Database (PMID: 32461654). This variant has been reported in ClinVar (Variation ID 464588). Functional studies have not been performed, and in silico predictions of the variant's effect on protein function are inconclusive. The evidence is insufficient to meet ACMG/AMP criteria for classifying the variant as benign or pathogenic. Thus, the clinical significance of this variant is currently uncertain.